The following is an entry in ClinVar:

ClinVar aggregate classification (germline): Benign/Likely benign. Review status: criteria provided, multiple submitters, no conflicts (2 of 4 stars). 7 submissions from 7 submitters: Benign (4); Likely benign (3). Last evaluated 2024-11-01.

Conditions:
Inborn genetic diseases. Identifiers: MedGen C0950123, MeSH D030342.
Nicolaides-Baraitser syndrome (NCBRS). Also called: SMARCA2-Related Nicolaides-Baraitser Syndrome; Intellectual disability-sparse hair-brachydactyly syndrome. Identifiers: Orphanet 3051, MedGen C1303073, MONDO:0011053, OMIM 601358.

Allele frequency attached by ClinVar (database versions not stated): gnomAD exomes 0.00072 and 0.00092; ExAC 0.00180; TOPMed 0.00517; gnomAD 0.00643 and 0.00696.
gnomAD v4.1: 1,274 of 919,676 alleles (0.14%); highest among the groups gnomAD compares: African/African-American, 3.1%; 10 homozygotes.

Submissions (7):

Mayo Clinic Laboratories, Mayo Clinic
Classification: Benign. Last evaluated: 2024-11-01. Review status: criteria provided, single submitter. Criteria: ACMG Guidelines, 2015. Collection method: clinical testing. Allele origin: germline. Observed: 1 variant allele.
Comment: BS1, BS2, BP4, BP7

Blueprint Genetics
Classification: Likely benign. Last evaluated: 2024-09-23. Review status: criteria provided, single submitter. Criteria: ACMG Guidelines, 2015. Collection method: clinical testing. Allele origin: germline.

Labcorp Genetics (formerly Invitae), Labcorp
Classification: Benign. Last evaluated: 2022-06-13. Review status: criteria provided, single submitter. Criteria: Invitae Variant Classification Sherloc (09022015). Collection method: clinical testing. Allele origin: germline.

GeneDx
Classification: Benign. Last evaluated: 2019-01-18. Review status: criteria provided, single submitter. Criteria: GeneDx Variant Classification Process June 2021. Collection method: clinical testing. Allele origin: germline. Affected: yes.

Illumina Laboratory Services, Illumina
Classification: Benign for Nicolaides-Baraitser syndrome. Last evaluated: 2018-01-13. Review status: criteria provided, single submitter. Criteria: ICSL Variant Classification Criteria 13 December 2019. Collection method: clinical testing. Allele origin: germline.
Comment: This variant was observed in the ICSL laboratory as part of a predisposition screen in an ostensibly healthy population. It had not been previously curated by ICSL or reported in the Human Gene Mutation Database (HGMD: prior to June 1st, 2018), and was therefore a candidate for classification through an automated scoring system. Utilizing variant allele frequency, disease prevalence and penetrance estimates, and inheritance mode, an automated score was calculated to assess if this variant is too frequent to cause the disease. Based on the score and internal cut-off values, a variant classified as benign is not then subjected to further curation. The score for this variant resulted in a classification of benign for this disease.

Ambry Genetics
Classification: Likely benign for Inborn genetic diseases. Last evaluated: 2016-10-27. Review status: criteria provided, single submitter. Criteria: Ambry Variant Classification Scheme 2023. Collection method: clinical testing. Allele origin: germline.

Breakthrough Genomics
Classification: Likely benign. Review status: criteria provided, single submitter. Criteria: ACMG Guidelines, 2015. Collection method: not provided. Allele origin: germline. Inheritance: Autosomal dominant inheritance. Affected: yes.

NM_003070.5(SMARCA2):c.669G>A (p.Gln223=)

Gene: SMARCA2 (SWI/SNF related BAF chromatin remodeling complex subunit ATPase 2; plus strand). Cytogenetic location: 9p24.3.
Variant type: single nucleotide variant.
Coding change: c.669G>A on transcript NM_003070.5 (MANE Select); coding-DNA position 669, G replaced by A.
Protein change: p.Gln223=; no amino-acid change (glutamine 223 retained).
Molecular consequence: synonymous variant.
Genome position (GRCh38, 1-based): chr9:2,039,779, G>A. VCF-style: chr9-2039779-G-A. GRCh37 (hg19) VCF-style: chr9-2039779-G-A.
Other names: p.Gln223=; c.669G>A, p.Gln223= (NM_001289396.2, NM_001289397.2, NM_139045.4).
Identifiers: ClinVar variation 366198 (VCV000366198.21), dbSNP rs62639301, ClinGen allele CA4962913.